The following is an entry in ClinVar:

NM_006231.4(POLE):c.609T>C (p.Asp203=)

Gene: POLE (DNA polymerase epsilon, catalytic subunit; minus strand). Cytogenetic location: 12q24.33.
Variant type: single nucleotide variant.
Coding change: c.609T>C on transcript NM_006231.4 (MANE Select); coding-DNA position 609, T replaced by C.
Protein change: p.Asp203=; no amino-acid change (aspartic acid 203 retained).
Molecular consequence: synonymous variant.
Genome position (GRCh38, 1-based): chr12:132,677,689, A>G on the plus strand (T>C on the coding strand, the complement: POLE is on the minus strand). VCF-style: chr12-132677689-A-G. GRCh37 (hg19) VCF-style: chr12-133254275-A-G.
Identifiers: ClinVar variation 386081 (VCV000386081.14), dbSNP rs1057522410, ClinGen allele CA16606199.
Genomic context (GRCh38, chr12:132,677,689, plus strand): 5'-CTCGCGCATGTCCACAATGTTGTCCAACTGGTCAGCTATCTTCTTAGAGGTTTCCTCTTC[A>G]TCAGTAATGACACCGCCCCTCTGCAGAACACTAGGAATTAACAAGAGAGCAACTAACTCA-3'
Protein context (NP_006222.2, residues 193-213): SVLQRGGVIT[Asp203=]EEETSKKIAD

ClinVar aggregate classification (germline): Likely benign. Review status: criteria provided, multiple submitters, no conflicts (2 of 4 stars). 3 submissions from 3 submitters: Likely benign (3). Last evaluated 2026-01-12.

Conditions:
Hereditary cancer-predisposing syndrome. Also called: Hereditary Cancer Syndrome; Hereditary neoplastic syndrome; Neoplastic Syndromes, Hereditary; Tumor predisposition. Identifiers: Orphanet 140162, MedGen C0027672, MeSH D009386, MONDO:0015356.

Allele frequency attached by ClinVar (database versions not stated): gnomAD exomes 0.00002 and 0.00006; TOPMed 0.00011; gnomAD 0.00016.
gnomAD v4.1: 49 of 1,614,044 alleles (0.003%); highest among the groups gnomAD compares: Admixed American, 0.063%; no homozygotes.

Submissions (3):

Labcorp Genetics (formerly Invitae), Labcorp
Classification: Likely benign. Last evaluated: 2026-01-12. Review status: criteria provided, single submitter. Criteria: Invitae Variant Classification Sherloc (09022015). Collection method: clinical testing. Allele origin: germline.

Ambry Genetics
Classification: Likely benign for Hereditary cancer-predisposing syndrome. Last evaluated: 2017-09-28. Review status: criteria provided, single submitter. Criteria: Ambry Variant Classification Scheme 2023. Collection method: clinical testing. Allele origin: germline.

GeneDx
Classification: Likely benign. Last evaluated: 2016-05-09. Review status: criteria provided, single submitter. Criteria: GeneDx Variant Classification (06012015). Collection method: clinical testing. Allele origin: germline. Affected: yes.
Comment: This variant is considered likely benign or benign based on one or more of the following criteria: it is a conservative change, it occurs at a poorly conserved position in the protein, it is predicted to be benign by multiple in silico algorithms, and/or has population frequency not consistent with disease.